The following is an entry in ClinVar:

ClinVar aggregate classification (germline): Uncertain significance (1 of 4 stars; one submission).

gnomAD v4.1: 3 of 1,613,998 alleles (0.00019%); highest among the groups gnomAD compares: Admixed American, 0.005%; no homozygotes.

Submission:

Labcorp Genetics (formerly Invitae), Labcorp
Classification: Uncertain significance. Last evaluated: 2024-03-02. Review status: criteria provided, single submitter. Criteria: Invitae Variant Classification Sherloc (09022015). Collection method: clinical testing. Allele origin: germline.
Comment: This sequence change replaces lysine, which is basic and polar, with glutamic acid, which is acidic and polar, at codon 1641 of the NIN protein (p.Lys1641Glu). This variant is present in population databases (rs766793390, gnomAD 0.009%). This variant has not been reported in the literature in individuals affected with NIN-related conditions. Algorithms developed to predict the effect of missense changes on protein structure and function output the following: SIFT: "Not Available"; PolyPhen-2: "Benign"; Align-GVGD: "Not Available". The glutamic acid amino acid residue is found in multiple mammalian species, which suggests that this missense change does not adversely affect protein function. In summary, the available evidence is currently insufficient to determine the role of this variant in disease. Therefore, it has been classified as a Variant of Uncertain Significance.

NM_020921.4(NIN):c.4921A>G (p.Lys1641Glu)

Gene: NIN (ninein; minus strand). Cytogenetic location: 14q22.1.
Variant type: single nucleotide variant.
Coding change: c.4921A>G on transcript NM_020921.4 (MANE Select); coding-DNA position 4921, A replaced by G.
Protein change: p.Lys1641Glu; replaces lysine 1641 with glutamic acid.
Molecular consequence: missense variant.
Genome position (GRCh38, 1-based): chr14:50,752,547, T>C on the plus strand (A>G on the coding strand, the complement: NIN is on the minus strand). VCF-style: chr14-50752547-T-C. GRCh37 (hg19) VCF-style: chr14-51219265-T-C.
Other names: c.2782A>G, p.Lys928Glu (NM_016350.5); c.4921A>G, p.Lys1641Glu (NM_182944.3, NM_182946.2); short protein forms K1641E, K928E.
Identifiers: ClinVar variation 3612689 (VCV003612689.2).